The following is an entry in ClinVar:

NM_004415.4(DSP):c.1112A>C (p.His371Pro)

Gene: DSP (desmoplakin; plus strand). Cytogenetic location: 6p24.3.
Variant type: single nucleotide variant.
Coding change: c.1112A>C on transcript NM_004415.4 (MANE Select); coding-DNA position 1112, A replaced by C.
Protein change: p.His371Pro; replaces histidine 371 with proline.
Molecular consequence: missense variant.
Genome position (GRCh38, 1-based): chr6:7,567,421, A>C. VCF-style: chr6-7567421-A-C. GRCh37 (hg19) VCF-style: chr6-7567654-A-C.
Other names: c.1112A>C, p.His371Pro (NM_001008844.3, NM_001319034.2); short protein forms H371P.
Identifiers: ClinVar variation 44851 (VCV000044851.12), dbSNP rs397516912, ClinGen allele CA004777.

ClinVar aggregate classification (germline): Uncertain significance. Review status: criteria provided, multiple submitters, no conflicts (2 of 4 stars). 2 submissions from 2 submitters: Uncertain significance (2). Last evaluated 2024-04-10.

Conditions:
Arrhythmogenic cardiomyopathy with wooly hair and keratoderma. Also called: Dilated cardiomyopathy with woolly hair and keratoderma; Arrhythmogenic cardiomyopathy with woolly hair and keratoderma; PALMOPLANTAR KERATODERMA WITH LEFT VENTRICULAR CARDIOMYOPATHY AND WOOLLY HAIR; Carvajal syndrome. Identifiers: Orphanet 65282, MedGen C1854063, MONDO:0011581, OMIM 605676.
Arrhythmogenic right ventricular dysplasia 8 (ARVD8). Also called: Arrhythmogenic Right Ventricular Dysplasia/Cardiomyopathy 8; ARRHYTHMOGENIC RIGHT VENTRICULAR DYSPLASIA, FAMILIAL, 8; ARRHYTHMOGENIC RIGHT VENTRICULAR CARDIOMYOPATHY 8. Identifiers: MedGen C1843896, MONDO:0011831, OMIM 607450.

Submissions (2):

Labcorp Genetics (formerly Invitae), Labcorp
Classification: Uncertain significance for Arrhythmogenic cardiomyopathy with wooly hair and keratoderma; Arrhythmogenic right ventricular dysplasia 8. Last evaluated: 2024-04-10. Review status: criteria provided, single submitter. Criteria: Invitae Variant Classification Sherloc (09022015). Collection method: clinical testing. Allele origin: germline.
Comment: This sequence change replaces histidine, which is basic and polar, with proline, which is neutral and non-polar, at codon 371 of the DSP protein (p.His371Pro). This variant is not present in population databases (gnomAD no frequency). This variant has not been reported in the literature in individuals affected with DSP-related conditions. ClinVar contains an entry for this variant (Variation ID: 44851). An algorithm developed to predict the effect of missense changes on protein structure and function (PolyPhen-2) suggests that this variant is likely to be disruptive. In summary, the available evidence is currently insufficient to determine the role of this variant in disease. Therefore, it has been classified as a Variant of Uncertain Significance.

Laboratory for Molecular Medicine, Mass General Brigham Personalized Medicine
Classification: Uncertain significance. Last evaluated: 2012-03-22. Review status: criteria provided, single submitter. Criteria: LMM Criteria. Collection method: clinical testing. Allele origin: germline. Observed: 1 variant allele.
Comment: The His371Pro variant (DSP) has not been reported in the literature nor previous ly identified by our laboratory. Variants in DSP have been reported in individu als with ARVC. Computational analyses (biochemical amino acid properties, conse rvation, AlignGVGD, PolyPhen2, and SIFT) suggest that this variant may impact th e protein, though this information is not predictive enough to determine pathoge nicity. Additional studies are needed to fully assess its clinical significance.